The following is an entry in ClinVar:

ClinVar aggregate classification (germline): Uncertain significance (1 of 4 stars; one submission).

Submission:

Women's Health and Genetics/Laboratory Corporation of America, LabCorp
Classification: Uncertain significance. Last evaluated: 2025-07-08. Review status: criteria provided, single submitter. Criteria: LabCorp Variant Classification Summary - May 2015. Collection method: clinical testing. Allele origin: germline.
Comment: Variant summary: RARS2 c.566G>A (p.Gly189Asp) results in a non-conservative amino acid change in the encoded protein sequence. Algorithms developed to predict the effect of missense changes on protein structure and function all suggest that this variant is likely to be disruptive. The variant was absent in 250872 control chromosomes (gnomAD). The available data on variant occurrences in the general population are insufficient to allow any conclusion about variant significance. c.566G>A has been observed in an individual affected with features of Pontocerebellar Hypoplasia, Type 6 (Chuan_2022). These data do not allow any conclusion about variant significance. To our knowledge, no experimental evidence demonstrating an impact on protein function has been reported. The following publication has been ascertained in the context of this evaluation (PMID: 35571021). No submitters have cited clinical-significance assessments for this variant to ClinVar. Based on the evidence outlined above, the variant was classified as uncertain significance.

Literature cited by the submitters: PubMed 35571021.

NM_020320.5(RARS2):c.566G>A (p.Gly189Asp)

Gene: RARS2 (arginyl-tRNA synthetase 2, mitochondrial; minus strand). Cytogenetic location: 6q15.
Variant type: single nucleotide variant.
Coding change: c.566G>A on transcript NM_020320.5 (MANE Select); coding-DNA position 566, G replaced by A.
Protein change: p.Gly189Asp; replaces glycine 189 with aspartic acid.
Molecular consequence: missense variant. On other transcripts: non-coding transcript variant (18).
Genome position (GRCh38, 1-based): chr6:87,541,964, C>T on the plus strand (G>A on the coding strand, the complement: RARS2 is on the minus strand). VCF-style: chr6-87541964-C-T. GRCh37 (hg19) VCF-style: chr6-88251682-C-T.
Other names: c.41G>A, p.Gly14Asp (NM_001318785.2, NM_001350506.2, NM_001350507.2 and 4 more transcripts); c.566G>A, p.Gly189Asp (NM_001350505.2); short protein forms G14D, G189D.
Identifiers: ClinVar variation 4526090 (VCV004526090.1).